The following is an entry in ClinVar:

NM_052947.4(ALPK2):c.2906C>G (p.Ala969Gly)

Gene: ALPK2 (alpha kinase 2; minus strand). Cytogenetic location: 18q21.31.
Variant type: single nucleotide variant.
Coding change: c.2906C>G on transcript NM_052947.4 (MANE Select); coding-DNA position 2906, C replaced by G.
Protein change: p.Ala969Gly; replaces alanine 969 with glycine.
Molecular consequence: missense variant.
Genome position (GRCh38, 1-based): chr18:58,537,281, G>C on the plus strand (C>G on the coding strand, the complement: ALPK2 is on the minus strand). VCF-style: chr18-58537281-G-C. GRCh37 (hg19) VCF-style: chr18-56204513-G-C.
Other names: short protein forms A969G.
Identifiers: ClinVar variation 1797512 (VCV001797512.2), dbSNP rs1415975008, ClinGen allele CA402569514.
Genomic context (GRCh38, chr18:58,537,281, plus strand): 5'-GGCTTCTCCCAAGGAAAACTCACAATTGAACTATAACTGGCTGGTGTGGCTGTGGTGTCT[G>C]CGGCACTAGGACTGGGGCTCTTGTCACCTCCTTCTTTAAATTGCACTAAAGGATTGTTCT-3'
Protein context (NP_443179.3, residues 959-979): GGDKSPSPSA[Ala969Gly]DTTATPASYS

ClinVar aggregate classification (germline): Uncertain significance (1 of 4 stars; one submission).

Allele frequency attached by ClinVar (database versions not stated): gnomAD exomes below 0.00001.
gnomAD v4.1: 1 of 1,614,198 alleles (0.000062%); highest among the groups gnomAD compares: Non-Finnish European, 0.000085%; no homozygotes.

Submission:

Ambry Genetics
Classification: Uncertain significance. Last evaluated: 2022-03-08. Review status: criteria provided, single submitter. Criteria: Ambry Variant Classification Scheme 2023. Collection method: clinical testing. Allele origin: germline.
Comment: The p.A969G variant (also known as c.2906C>G), located in coding exon 4 of the ALPK2 gene, results from a C to G substitution at nucleotide position 2906. The alanine at codon 969 is replaced by glycine, an amino acid with similar properties. This amino acid position is conserved. In addition, this alteration is predicted to be tolerated by in silico analysis. Since supporting evidence is limited at this time, the clinical significance of this alteration remains unclear.